The following is an entry in ClinVar:

NM_016169.4(SUFU):c.236G>C (p.Ser79Thr)

Gene: SUFU (SUFU negative regulator of hedgehog signaling; plus strand). Cytogenetic location: 10q24.32.
Variant type: single nucleotide variant.
Coding change: c.236G>C on transcript NM_016169.4 (MANE Select); coding-DNA position 236, G replaced by C.
Protein change: p.Ser79Thr; replaces serine 79 with threonine.
Molecular consequence: missense variant.
Genome position (GRCh38, 1-based): chr10:102,509,222, G>C. VCF-style: chr10-102509222-G-C. GRCh37 (hg19) VCF-style: chr10-104268979-G-C.
Other names: c.236G>C, p.Ser79Thr (NM_001178133.2); c.236G>C (NM_016169.3); short protein forms S79T.
Identifiers: ClinVar variation 1355694 (VCV001355694.9), dbSNP rs2135620312, ClinGen allele CA377888611.

ClinVar aggregate classification (germline): Uncertain significance. Review status: criteria provided, multiple submitters, no conflicts (2 of 4 stars). 2 submissions from 2 submitters: Uncertain significance (2). Last evaluated 2025-09-25.

Conditions:
Medulloblastoma (MDB). Also called: MEDULLOBLASTOMA PREDISPOSITION SYNDROME; Medulloblastoma, somatic. Identifiers: Orphanet 616, MedGen C0025149, MeSH D008527, MONDO:0007959, OMIM 155255, HP:0002885.
Gorlin syndrome. Also called: Basal cell nevus syndrome; Nevoid Basal Cell Carcinoma Syndrome. Identifiers: Orphanet 377, MedGen C0004779, MONDO:0007187.
Hereditary cancer-predisposing syndrome. Also called: Hereditary Cancer Syndrome; Hereditary neoplastic syndrome; Tumor predisposition; Neoplastic Syndromes, Hereditary. Identifiers: Orphanet 140162, MedGen C0027672, MeSH D009386, MONDO:0015356.

Allele frequency attached by ClinVar (database versions not stated): gnomAD exomes below 0.00001.
gnomAD v4.1: 1 of 1,614,198 alleles (0.000062%); highest among the groups gnomAD compares: Non-Finnish European, 0.000085%; no homozygotes.

Submissions (2):

Ambry Genetics
Classification: Uncertain significance for Hereditary cancer-predisposing syndrome. Last evaluated: 2025-09-25. Review status: criteria provided, single submitter. Criteria: Ambry Variant Classification Scheme 2023. Collection method: clinical testing. Allele origin: germline.
Comment: The p.S79T variant (also known as c.236G>C), located in coding exon 2 of the SUFU gene, results from a G to C substitution at nucleotide position 236. The serine at codon 79 is replaced by threonine, an amino acid with similar properties. This amino acid position is conserved. In addition, this alteration is predicted to be tolerated by in silico analysis. Based on the available evidence, the clinical significance of this variant remains unclear.

Labcorp Genetics (formerly Invitae), Labcorp
Classification: Uncertain significance for Gorlin syndrome; Medulloblastoma. Last evaluated: 2024-10-10. Review status: criteria provided, single submitter. Criteria: Invitae Variant Classification Sherloc (09022015). Collection method: clinical testing. Allele origin: germline.
Comment: This sequence change replaces serine, which is neutral and polar, with threonine, which is neutral and polar, at codon 79 of the SUFU protein (p.Ser79Thr). This variant is not present in population databases (gnomAD no frequency). This variant has not been reported in the literature in individuals affected with SUFU-related conditions. ClinVar contains an entry for this variant (Variation ID: 1355694). Invitae Evidence Modeling of protein sequence and biophysical properties (such as structural, functional, and spatial information, amino acid conservation, physicochemical variation, residue mobility, and thermodynamic stability) indicates that this missense variant is not expected to disrupt SUFU protein function with a negative predictive value of 80%. In summary, the available evidence is currently insufficient to determine the role of this variant in disease. Therefore, it has been classified as a Variant of Uncertain Significance.